The following is an entry in ClinVar:

NM_006514.4(SCN10A):c.344C>T (p.Pro115Leu)

Gene: SCN10A (sodium voltage-gated channel alpha subunit 10; minus strand). Cytogenetic location: 3p22.2.
Variant type: single nucleotide variant.
Coding change: c.344C>T on transcript NM_006514.4 (MANE Select); coding-DNA position 344, C replaced by T.
Protein change: p.Pro115Leu; replaces proline 115 with leucine.
Molecular consequence: missense variant.
Genome position (GRCh38, 1-based): chr3:38,792,095, G>A on the plus strand (C>T on the coding strand, the complement: SCN10A is on the minus strand). VCF-style: chr3-38792095-G-A. GRCh37 (hg19) VCF-style: chr3-38833586-G-A.
Other names: c.344C>T, p.Pro115Leu (NM_001293306.2, NM_001293307.2); short protein forms P115L.
Identifiers: ClinVar variation 664764 (VCV000664764.7), dbSNP rs760579685, ClinGen allele CA72962573.

ClinVar aggregate classification (germline): Uncertain significance. Review status: criteria provided, multiple submitters, no conflicts (2 of 4 stars). 2 submissions from 2 submitters: Uncertain significance (2). Last evaluated 2022-06-09.

Conditions:
Brugada syndrome. Also called: Sudden unexpected nocturnal death syndrome; Sudden unexplained nocturnal death syndrome; Sudden Unexplained Death Syndrome; Sudden Unexplained Nocturnal Death Syndrome (SUNDS). Identifiers: Orphanet 130, MedGen C1142166, MONDO:0015263.
Cardiovascular phenotype. Identifiers: MedGen CN230736.

gnomAD v4.1: 2 of 1,613,874 alleles (0.00012%); highest among the groups gnomAD compares: Non-Finnish European, 0.00017%; no homozygotes.

Submissions (2):

Ambry Genetics
Classification: Uncertain significance for Cardiovascular phenotype. Last evaluated: 2022-06-09. Review status: criteria provided, single submitter. Criteria: Ambry Variant Classification Scheme 2023. Collection method: clinical testing. Allele origin: germline.
Comment: The p.P115L variant (also known as c.344C>T), located in coding exon 2 of the SCN10A gene, results from a C to T substitution at nucleotide position 344. The proline at codon 115 is replaced by leucine, an amino acid with similar properties. This amino acid position is conserved. In addition, this alteration is predicted to be deleterious by in silico analysis. Since supporting evidence is limited at this time, the clinical significance of this alteration remains unclear.

Labcorp Genetics (formerly Invitae), Labcorp
Classification: Uncertain significance for Brugada syndrome. Last evaluated: 2022-03-09. Review status: criteria provided, single submitter. Criteria: Invitae Variant Classification Sherloc (09022015). Collection method: clinical testing. Allele origin: germline.
Comment: This sequence change replaces proline, which is neutral and non-polar, with leucine, which is neutral and non-polar, at codon 115 of the SCN10A protein (p.Pro115Leu). This variant is not present in population databases (gnomAD no frequency). This variant has not been reported in the literature in individuals affected with SCN10A-related conditions. ClinVar contains an entry for this variant (Variation ID: 664764). Advanced modeling of protein sequence and biophysical properties (such as structural, functional, and spatial information, amino acid conservation, physicochemical variation, residue mobility, and thermodynamic stability) performed at Invitae indicates that this missense variant is expected to disrupt SCN10A protein function. In summary, the available evidence is currently insufficient to determine the role of this variant in disease. Therefore, it has been classified as a Variant of Uncertain Significance.